The following is an entry in ClinVar:

NM_000069.3(CACNA1S):c.2812del (p.Leu938fs)

Gene: CACNA1S (calcium voltage-gated channel subunit alpha1 S; minus strand). Cytogenetic location: 1q32.1.
Variant type: Deletion.
Coding change: c.2812del on transcript NM_000069.3 (MANE Select); coding-DNA position 2812, one base deleted (C; older notation c.2812delC).
Protein change: p.Leu938fs; shifts the reading frame from leucine 938.
Molecular consequence: frameshift variant.
Genome position (GRCh38, 1-based): chr1:201,065,879, G deleted on the plus strand (C on the coding strand, the reverse complement: CACNA1S is on the minus strand); the first of 2 consecutive G bases (chr1:201,065,879-201,065,880); deleting either gives the same sequence. VCF-style (leftmost placement, unchanged base first): chr1-201065878-AG-A. GRCh37 (hg19) VCF-style: chr1-201035006-AG-A.
Other names: c.2812delC (NM_000069.2); short protein forms L938fs.
Identifiers: ClinVar variation 656431 (VCV000656431.6), dbSNP rs1572038993, ClinGen allele CA915941964.

ClinVar aggregate classification (germline): Pathogenic/Likely pathogenic. Review status: criteria provided, multiple submitters, no conflicts (2 of 4 stars). 4 submissions from 3 submitters: Pathogenic (1); Likely pathogenic (3). Last evaluated 2023-04-11.

Conditions:
Malignant hyperthermia, susceptibility to, 5 (MHS5). Also called: CACNA1S-Related Malignant Hyperthermia Susceptibility. Identifiers: Orphanet 423, MedGen C1866077, MONDO:0011163, OMIM 601887.
Hypokalemic periodic paralysis, type 1. Also called: HypoPP; Hypokalemic Periodic Paralysis Type 1 (AD). Identifiers: Orphanet 681, MedGen C3714580, MONDO:0042979, OMIM 170400.
Thyrotoxic periodic paralysis, susceptibility to, 1 (TTPP1). Identifiers: Orphanet 79102, MedGen C2749982, MONDO:0008570, OMIM 188580.

Submissions (4):

Genome-Nilou Lab
Classification: Likely pathogenic for Malignant hyperthermia, susceptibility to, 5. Last evaluated: 2023-04-11. Review status: criteria provided, single submitter. Criteria: ACMG Guidelines, 2015. Collection method: clinical testing. Allele origin: germline. Affected: no.

Genome-Nilou Lab
Classification: Likely pathogenic for Hypokalemic periodic paralysis, type 1. Last evaluated: 2023-04-11. Review status: criteria provided, single submitter. Criteria: ACMG Guidelines, 2015. Collection method: clinical testing. Allele origin: germline. Affected: no.

Fulgent Genetics
Classification: Likely pathogenic for Hypokalemic periodic paralysis, type 1; Thyrotoxic periodic paralysis, susceptibility to, 1; Malignant hyperthermia, susceptibility to, 5. Last evaluated: 2021-08-10. Review status: criteria provided, single submitter. Criteria: ACMG Guidelines, 2015. Collection method: clinical testing. Allele origin: unknown.

Labcorp Genetics (formerly Invitae), Labcorp
Classification: Pathogenic for Hypokalemic periodic paralysis, type 1; Malignant hyperthermia, susceptibility to, 5. Last evaluated: 2018-10-13. Review status: criteria provided, single submitter. Criteria: Invitae Variant Classification Sherloc (09022015). Collection method: clinical testing. Allele origin: germline.
Comment: This sequence change creates a premature translational stop signal (p.Leu938Tyrfs*26) in the CACNA1S gene. It is expected to result in an absent or disrupted protein product. This variant is not present in population databases (ExAC no frequency). This variant has not been reported in the literature in individuals with CACNA1S-related disease. Loss-of-function variants in CACNA1S are known to be pathogenic (PMID: 26247046, 28012042). For these reasons, this variant has been classified as Pathogenic.

Literature cited by the submitters: PubMed 26247046 (cited by Labcorp Genetics (formerly Invitae), Labcorp); PubMed 28012042 (cited by Labcorp Genetics (formerly Invitae), Labcorp).